The following is an entry in ClinVar:

ClinVar aggregate classification (germline): Uncertain significance. Review status: criteria provided, multiple submitters, no conflicts (2 of 4 stars). 2 submissions from 2 submitters: Uncertain significance (2). Last evaluated 2025-09-28.

Conditions:
Cardiovascular phenotype. Identifiers: MedGen CN230736.
Hereditary cancer-predisposing syndrome. Also called: Tumor predisposition; Hereditary Cancer Syndrome; Hereditary neoplastic syndrome; Neoplastic Syndromes, Hereditary. Identifiers: Orphanet 140162, MedGen C0027672, MeSH D009386, MONDO:0015356.

Submissions (2):

Ambry Genetics
Classification: Uncertain significance for Cardiovascular phenotype; Hereditary cancer-predisposing syndrome. Last evaluated: 2025-09-28. Review status: criteria provided, single submitter. Criteria: Ambry Variant Classification Scheme 2023. Collection method: clinical testing. Allele origin: germline.

Labcorp Genetics (formerly Invitae), Labcorp
Classification: Uncertain significance. Last evaluated: 2025-07-13. Review status: criteria provided, single submitter. Criteria: Invitae Variant Classification Sherloc (09022015). Collection method: clinical testing. Allele origin: germline.
Comment: This sequence change replaces leucine, which is neutral and non-polar, with phenylalanine, which is neutral and non-polar, at codon 207 of the LZTR1 protein (p.Leu207Phe). This variant is not present in population databases (gnomAD no frequency). This variant has not been reported in the literature in individuals affected with LZTR1-related conditions. ClinVar contains an entry for this variant (Variation ID: 3718622). Invitae Evidence Modeling of protein sequence and biophysical properties (such as structural, functional, and spatial information, amino acid conservation, physicochemical variation, residue mobility, and thermodynamic stability) indicates that this missense variant is not expected to disrupt LZTR1 protein function with a negative predictive value of 80%. In summary, the available evidence is currently insufficient to determine the role of this variant in disease. Therefore, it has been classified as a Variant of Uncertain Significance.

NM_006767.4(LZTR1):c.619C>T (p.Leu207Phe)

Gene: LZTR1 (leucine zipper like post translational regulator 1; plus strand). Cytogenetic location: 22q11.21.
Variant type: single nucleotide variant.
Coding change: c.619C>T on transcript NM_006767.4 (MANE Select); coding-DNA position 619, C replaced by T.
Protein change: p.Leu207Phe; replaces leucine 207 with phenylalanine.
Molecular consequence: missense variant.
Genome position (GRCh38, 1-based): chr22:20,989,650, C>T. VCF-style: chr22-20989650-C-T. GRCh37 (hg19) VCF-style: chr22-21343939-C-T.
Other names: c.619C>T (NM_006767.3); short protein forms L207F.
Identifiers: ClinVar variation 3718622 (VCV003718622.3).